The following is an entry in ClinVar:

ClinVar aggregate classification (germline): Uncertain significance. Review status: criteria provided, multiple submitters, no conflicts (2 of 4 stars). 2 submissions from 2 submitters: Uncertain significance (2). Last evaluated 2025-03-31.

Conditions:
Inborn genetic diseases. Identifiers: MedGen C0950123, MeSH D030342.
Holocarboxylase synthetase deficiency. Also called: MULTIPLE CARBOXYLASE DEFICIENCY, EARLY ONSET. Identifiers: Orphanet 79242, MedGen C0268581, MONDO:0009666, OMIM 253270.

Allele frequency attached by ClinVar (database versions not stated): gnomAD exomes below 0.00001; TOPMed 0.00001.
gnomAD v4.1: 1 of 1,614,136 alleles (0.000062%); highest among the groups gnomAD compares: Non-Finnish European, 0.000085%; no homozygotes.

Submissions (2):

Ambry Genetics
Classification: Uncertain significance for Inborn genetic diseases. Last evaluated: 2025-03-31. Review status: criteria provided, single submitter. Criteria: Ambry Variant Classification Scheme 2023. Collection method: clinical testing. Allele origin: germline.

Labcorp Genetics (formerly Invitae), Labcorp
Classification: Uncertain significance for Holocarboxylase synthetase deficiency. Last evaluated: 2023-08-10. Review status: criteria provided, single submitter. Criteria: Invitae Variant Classification Sherloc (09022015). Collection method: clinical testing. Allele origin: germline.
Comment: Algorithms developed to predict the effect of missense changes on protein structure and function output the following: SIFT: "Not Available"; PolyPhen-2: "Benign"; Align-GVGD: "Not Available". The cysteine amino acid residue is found in multiple mammalian species, which suggests that this missense change does not adversely affect protein function. In summary, the available evidence is currently insufficient to determine the role of this variant in disease. Therefore, it has been classified as a Variant of Uncertain Significance. This variant has not been reported in the literature in individuals affected with HLCS-related conditions. ClinVar contains an entry for this variant (Variation ID: 2055202). This variant is not present in population databases (gnomAD no frequency). This sequence change replaces phenylalanine, which is neutral and non-polar, with cysteine, which is neutral and slightly polar, at codon 602 of the HLCS protein (p.Phe602Cys).

NM_001352514.2(HLCS):c.2246T>G (p.Phe749Cys)

Gene: HLCS (holocarboxylase synthetase; minus strand). Cytogenetic location: 21q22.13.
Variant type: single nucleotide variant.
Coding change: c.2246T>G on transcript NM_001352514.2 (MANE Select); coding-DNA position 2246, T replaced by G.
Protein change: p.Phe749Cys; replaces phenylalanine 749 with cysteine.
Molecular consequence: missense variant. On other transcripts: non-coding transcript variant (2).
Genome position (GRCh38, 1-based): chr21:36,756,746, A>C on the plus strand (T>G on the coding strand, the complement: HLCS is on the minus strand). VCF-style: chr21-36756746-A-C. GRCh37 (hg19) VCF-style: chr21-38129047-A-C.
Other names: c.1805T>G, p.Phe602Cys (NM_000411.8, NM_001242784.3, NM_001242785.2 and 4 more transcripts); c.1805T>G (NM_000411.6); short protein forms F749C, F602C.
Identifiers: ClinVar variation 2055202 (VCV002055202.5), dbSNP rs1181085102, ClinGen allele CA409919515.